The following is an entry in ClinVar:

ClinVar aggregate classification (germline): Uncertain significance. Review status: criteria provided, multiple submitters, no conflicts (2 of 4 stars). 2 submissions from 2 submitters: Uncertain significance (2). Last evaluated 2025-12-02.

Conditions:
Inborn genetic diseases. Identifiers: MedGen C0950123, MeSH D030342.

Allele frequency attached by ClinVar (database versions not stated): ExAC 0.00001; gnomAD 0.00001; TOPMed 0.00001; gnomAD exomes 0.00002.
gnomAD v4.1: 35 of 1,613,294 alleles (0.0022%); highest among the groups gnomAD compares: Non-Finnish European, 0.0029%; no homozygotes.

Submissions (2):

Ambry Genetics
Classification: Uncertain significance for Inborn genetic diseases. Last evaluated: 2025-12-02. Review status: criteria provided, single submitter. Criteria: Ambry Variant Classification Scheme 2023. Collection method: clinical testing. Allele origin: germline.

Labcorp Genetics (formerly Invitae), Labcorp
Classification: Uncertain significance. Last evaluated: 2025-10-26. Review status: criteria provided, single submitter. Criteria: Invitae Variant Classification Sherloc (09022015). Collection method: clinical testing. Allele origin: germline.
Comment: This sequence change replaces leucine, which is neutral and non-polar, with phenylalanine, which is neutral and non-polar, at codon 668 of the TNNI3K protein (p.Leu668Phe). This variant is present in population databases (rs767338723, gnomAD 0.003%). This variant has not been reported in the literature in individuals affected with TNNI3K-related conditions. ClinVar contains an entry for this variant (Variation ID: 2145579). An algorithm developed to predict the effect of missense changes on protein structure and function (PolyPhen-2) suggests that this variant is likely to be disruptive. In summary, the available evidence is currently insufficient to determine the role of this variant in disease. Therefore, it has been classified as a Variant of Uncertain Significance.

NM_015978.3(TNNI3K):c.2002C>T (p.Leu668Phe)

Genes: FPGT-TNNI3K (FPGT-TNNI3K readthrough; plus strand), TNNI3K (TNNI3 interacting kinase; plus strand). Cytogenetic location: 1p31.1.
Variant type: single nucleotide variant.
Coding change: c.2002C>T on transcript NM_015978.3 (MANE Select); coding-DNA position 2002, C replaced by T.
Protein change: p.Leu668Phe; replaces leucine 668 with phenylalanine.
Molecular consequence: missense variant.
Genome position (GRCh38, 1-based): chr1:74,439,613, C>T. VCF-style: chr1-74439613-C-T. GRCh37 (hg19) VCF-style: chr1-74905297-C-T.
Other names: c.2305C>T, p.Leu769Phe (NM_001112808.3, NM_001199327.2); c.2002C>T (NM_015978.2); short protein forms L668F, L769F.
Identifiers: ClinVar variation 2145579 (VCV002145579.5), dbSNP rs767338723, ClinGen allele CA909533.